The following is an entry in ClinVar:

NM_017671.5(FERMT1):c.1596G>A (p.Leu532=)

Gene: FERMT1 (FERM domain containing kindlin 1; minus strand). Cytogenetic location: 20p12.3.
Variant type: single nucleotide variant.
Coding change: c.1596G>A on transcript NM_017671.5 (MANE Select); coding-DNA position 1596, G replaced by A.
Protein change: p.Leu532=; no amino-acid change (leucine 532 retained).
Molecular consequence: synonymous variant.
Genome position (GRCh38, 1-based): chr20:6,084,162, C>T on the plus strand (G>A on the coding strand, the complement: FERMT1 is on the minus strand). VCF-style: chr20-6084162-C-T. GRCh37 (hg19) VCF-style: chr20-6064809-C-T.
Identifiers: ClinVar variation 1449713 (VCV001449713.5), dbSNP rs202039461, ClinGen allele CA311211918.

ClinVar aggregate classification (germline): Uncertain significance (1 of 4 stars; one submission).

Allele frequency attached by ClinVar (database versions not stated): gnomAD exomes 0.00001; TOPMed 0.00002; gnomAD 0.00004; 1000 Genomes Project 30x 0.00016; 1000 Genomes Project 0.00020.
gnomAD v4.1: 23 of 1,610,448 alleles (0.0014%); highest among the groups gnomAD compares: Non-Finnish European, 0.0019%; no homozygotes.

Submission:

Labcorp Genetics (formerly Invitae), Labcorp
Classification: Uncertain significance. Last evaluated: 2022-08-09. Review status: criteria provided, single submitter. Criteria: Invitae Variant Classification Sherloc (09022015). Collection method: clinical testing. Allele origin: germline.
Comment: This sequence change affects codon 532 of the FERMT1 mRNA. It is a 'silent' change, meaning that it does not change the encoded amino acid sequence of the FERMT1 protein. This variant is present in population databases (rs202039461, gnomAD 0.007%). This variant has not been reported in the literature in individuals affected with FERMT1-related conditions. ClinVar contains an entry for this variant (Variation ID: 1449713). Algorithms developed to predict the effect of sequence changes on RNA splicing suggest that this variant may create or strengthen a splice site. In summary, the available evidence is currently insufficient to determine the role of this variant in disease. Therefore, it has been classified as a Variant of Uncertain Significance.